The following is an entry in ClinVar:

NC_000019.10:g.39480740C>T

Gene: TIMM50 (translocase of inner mitochondrial membrane 50; plus strand). Cytogenetic location: 19q13.2.
Variant type: single nucleotide variant.
Genome position: GRCh38 VCF-style: chr19-39480740-C-T. GRCh37 (hg19) VCF-style: chr19-39971380-C-T.
Identifiers: ClinVar variation 1377639 (VCV001377639.6), dbSNP rs771373015, ClinGen allele CA9431580.

ClinVar aggregate classification (germline): Uncertain significance. Review status: criteria provided, multiple submitters, no conflicts (2 of 4 stars). 2 submissions from 2 submitters: Uncertain significance (2). Last evaluated 2023-04-07.

Conditions:
Inborn genetic diseases. Identifiers: MedGen C0950123, MeSH D030342.

Allele frequency attached by ClinVar (database versions not stated): gnomAD exomes 0.00004 and 0.00002; gnomAD 0.00003 and 0.00002; ExAC 0.00004; TOPMed 0.00004.

Submissions (2):

Ambry Genetics
Classification: Uncertain significance for Inborn genetic diseases. Last evaluated: 2023-04-07. Review status: criteria provided, single submitter. Criteria: Ambry Variant Classification Scheme 2023. Collection method: clinical testing. Allele origin: germline.

Labcorp Genetics (formerly Invitae), Labcorp
Classification: Uncertain significance. Last evaluated: 2022-09-27. Review status: criteria provided, single submitter. Criteria: Invitae Variant Classification Sherloc (09022015). Collection method: clinical testing. Allele origin: germline.
Comment: This sequence change replaces leucine, which is neutral and non-polar, with phenylalanine, which is neutral and non-polar, at codon 66 of the TIMM50 protein (p.Leu66Phe). This variant is present in population databases (rs771373015, gnomAD 0.009%). This variant has not been reported in the literature in individuals affected with TIMM50-related conditions. ClinVar contains an entry for this variant (Variation ID: 1377639). Algorithms developed to predict the effect of missense changes on protein structure and function are either unavailable or do not agree on the potential impact of this missense change (SIFT: "Not Available"; PolyPhen-2: "Benign"; Align-GVGD: "Not Available"). In summary, the available evidence is currently insufficient to determine the role of this variant in disease. Therefore, it has been classified as a Variant of Uncertain Significance.